The following is an entry in ClinVar:

ClinVar aggregate classification (germline): Uncertain significance. Review status: criteria provided, single submitter (1 of 4 stars). 2 submissions from 2 submitters: Uncertain significance (1). 1 of the submissions does not count toward it. Last evaluated 2024-02-24.

Conditions:
BBIP1-related disorder. Also called: BBIP1-related condition.

Allele frequency attached by ClinVar (database versions not stated): gnomAD 0.00003; TOPMed 0.00003; ExAC 0.00007.

Submissions (2):

Labcorp Genetics (formerly Invitae), Labcorp
Classification: Uncertain significance. Last evaluated: 2024-02-24. Review status: criteria provided, single submitter. Criteria: Invitae Variant Classification Sherloc (09022015). Collection method: clinical testing. Allele origin: germline.
Comment: This sequence change replaces proline, which is neutral and non-polar, with histidine, which is basic and polar, at codon 53 of the BBIP1 protein (p.Pro53His). This variant is present in population databases (rs761751086, gnomAD 0.04%). This variant has not been reported in the literature in individuals affected with BBIP1-related conditions. ClinVar contains an entry for this variant (Variation ID: 1967763). An algorithm developed to predict the effect of missense changes on protein structure and function (PolyPhen-2) suggests that this variant is likely to be disruptive. In summary, the available evidence is currently insufficient to determine the role of this variant in disease. Therefore, it has been classified as a Variant of Uncertain Significance.

PreventionGenetics, part of Exact Sciences
Classification: Uncertain significance for BBIP1-related condition. Last evaluated: 2024-03-13. Review status: no assertion criteria provided. Collection method: clinical testing. Allele origin: germline. Not counted in ClinVar's aggregate classification.
Comment: The BBIP1 c.158C>A variant is predicted to result in the amino acid substitution p.Pro53His. To our knowledge, this variant has not been reported in the literature. This variant is reported in 0.043% of alleles in individuals of European (Finnish) descent in gnomAD. At this time, the clinical significance of this variant is uncertain due to the absence of conclusive functional and genetic evidence.

NM_001195305.3(BBIP1):c.158C>A (p.Pro53His)

Gene: BBIP1 (BBSome interacting protein 1; minus strand). Cytogenetic location: 10q25.2.
Variant type: single nucleotide variant.
Coding change: c.158C>A on transcript NM_001195305.3 (MANE Select); coding-DNA position 158, C replaced by A.
Protein change: p.Pro53His; replaces proline 53 with histidine.
Molecular consequence: missense variant. On other transcripts: 3 prime UTR variant (1).
Genome position (GRCh38, 1-based): chr10:110,900,481, G>T on the plus strand (C>A on the coding strand, the complement: BBIP1 is on the minus strand). VCF-style: chr10-110900481-G-T. GRCh37 (hg19) VCF-style: chr10-112660239-G-T.
Other names: c.158C>A (NM_001195306.1); c.*3C>A (NM_001195304.2); c.158C>A, p.Pro53His (NM_001195306.2); c.83C>A, p.Pro28His (NM_001195307.2); c.92C>A, p.Pro31His (NM_001243783.3); short protein forms P31H, P53H, P28H.
Identifiers: ClinVar variation 1967763 (VCV001967763.8), dbSNP rs761751086, ClinGen allele CA5689315.